The following is an entry in ClinVar:

NM_001201543.2(FAM161A):c.1804G>T (p.Glu602Ter)

Gene: FAM161A (FAM161 centrosomal protein A; minus strand). Cytogenetic location: 2p15.
Variant type: single nucleotide variant.
Coding change: c.1804G>T on transcript NM_001201543.2 (MANE Select); coding-DNA position 1804, G replaced by T.
Protein change: p.Glu602Ter; replaces glutamic acid 602 with a stop codon.
Molecular consequence: nonsense. On other transcripts: non-coding transcript variant (1).
Genome position (GRCh38, 1-based): chr2:61,836,057, C>A on the plus strand (G>T on the coding strand, the complement: FAM161A is on the minus strand). VCF-style: chr2-61836057-C-A. GRCh37 (hg19) VCF-style: chr2-62063192-C-A.
Other names: c.1636G>T, p.Glu546Ter (NM_032180.3); short protein forms E546*, E602*.
Identifiers: ClinVar variation 1438349 (VCV001438349.6), dbSNP rs769359884, ClinGen allele CA346985712.

ClinVar aggregate classification (germline): Pathogenic (1 of 4 stars; one submission).

Submission:

Labcorp Genetics (formerly Invitae), Labcorp
Classification: Pathogenic. Last evaluated: 2020-12-07. Review status: criteria provided, single submitter. Criteria: Invitae Variant Classification Sherloc (09022015). Collection method: clinical testing. Allele origin: germline.
Comment: For these reasons, this variant has been classified as Pathogenic. This variant has not been reported in the literature in individuals with FAM161A-related conditions. This variant is not present in population databases (ExAC no frequency). This sequence change creates a premature translational stop signal (p.Glu602*) in the FAM161A gene. It is expected to result in an absent or disrupted protein product. Loss-of-function variants in FAM161A are known to be pathogenic (PMID: 20705278, 20705279, 24651477).

Literature cited by the submitters: PubMed 20705278; PubMed 20705279; PubMed 24651477.